The following is an entry in ClinVar:

ClinVar aggregate classification (germline): Uncertain significance (1 of 4 stars; one submission).

Conditions:
Fanconi anemia (FA). Also called: Fanconi's anemia. Identifiers: Orphanet 84, MedGen C0015625, MeSH D005199, MONDO:0019391.

gnomAD v4.1: 1 of 1,201,764 alleles (0.000083%); highest among the groups gnomAD compares: Non-Finnish European, 0.00011%; no homozygotes.

Submission:

Labcorp Genetics (formerly Invitae), Labcorp
Classification: Uncertain significance for Fanconi anemia. Last evaluated: 2024-07-16. Review status: criteria provided, single submitter. Criteria: Invitae Variant Classification Sherloc (09022015). Collection method: clinical testing. Allele origin: germline.
Comment: This sequence change replaces proline, which is neutral and non-polar, with arginine, which is basic and polar, at codon 739 of the FANCB protein (p.Pro739Arg). This variant is not present in population databases (gnomAD no frequency). This variant has not been reported in the literature in individuals affected with FANCB-related conditions. Advanced modeling of protein sequence and biophysical properties (such as structural, functional, and spatial information, amino acid conservation, physicochemical variation, residue mobility, and thermodynamic stability) performed at Invitae indicates that this missense variant is expected to disrupt FANCB protein function with a positive predictive value of 80%. In summary, the available evidence is currently insufficient to determine the role of this variant in disease. Therefore, it has been classified as a Variant of Uncertain Significance.

NM_001018113.3(FANCB):c.2216C>G (p.Pro739Arg)

Gene: FANCB (FA complementation group B; minus strand). Cytogenetic location: Xp22.2.
Variant type: single nucleotide variant.
Coding change: c.2216C>G on transcript NM_001018113.3 (MANE Select); coding-DNA position 2216, C replaced by G.
Protein change: p.Pro739Arg; replaces proline 739 with arginine.
Molecular consequence: missense variant.
Genome position (GRCh38, 1-based): chrX:14,843,931, G>C on the plus strand (C>G on the coding strand, the complement: FANCB is on the minus strand). VCF-style: chrX-14843931-G-C. GRCh37 (hg19) VCF-style: chrX-14862053-G-C.
Other names: c.2216C>G, p.Pro739Arg (NM_001324162.2, NM_001410764.1, NM_152633.4); short protein forms P739R.
Identifiers: ClinVar variation 3614680 (VCV003614680.2).